The following is an entry in ClinVar:

NM_170606.3(KMT2C):c.10996C>G (p.Pro3666Ala)

Gene: KMT2C (lysine methyltransferase 2C; minus strand). Cytogenetic location: 7q36.1.
Variant type: single nucleotide variant.
Coding change: c.10996C>G on transcript NM_170606.3 (MANE Select); coding-DNA position 10996, C replaced by G.
Protein change: p.Pro3666Ala; replaces proline 3666 with alanine.
Molecular consequence: missense variant.
Genome position (GRCh38, 1-based): chr7:152,162,581, G>C on the plus strand (C>G on the coding strand, the complement: KMT2C is on the minus strand). VCF-style: chr7-152162581-G-C. GRCh37 (hg19) VCF-style: chr7-151859666-G-C.
Other names: c.10996C>G (NM_170606.2); short protein forms P3666A.
Identifiers: ClinVar variation 3341783 (VCV003341783.18).

ClinVar aggregate classification (germline): Conflicting classifications of pathogenicity. Review status: criteria provided, conflicting classifications (1 of 4 stars). 3 submissions from 3 submitters: Uncertain significance (2); Likely benign (1). Last evaluated 2025-12-04.

Conditions:
Inborn genetic diseases. Identifiers: MedGen C0950123, MeSH D030342.

gnomAD v4.1: 7 of 1,614,074 alleles (0.00043%); highest among the groups gnomAD compares: African/African-American, 0.004%; no homozygotes.

Submissions (3):

Ambry Genetics
Classification: Uncertain significance for Inborn genetic diseases. Last evaluated: 2025-12-04. Review status: criteria provided, single submitter. Criteria: Ambry Variant Classification Scheme 2023. Collection method: clinical testing. Allele origin: germline.

Labcorp Genetics (formerly Invitae), Labcorp
Classification: Uncertain significance. Last evaluated: 2024-11-17. Review status: criteria provided, single submitter. Criteria: Invitae Variant Classification Sherloc (09022015). Collection method: clinical testing. Allele origin: germline.
Comment: This sequence change replaces proline, which is neutral and non-polar, with alanine, which is neutral and non-polar, at codon 3666 of the KMT2C protein (p.Pro3666Ala). This variant is not present in population databases (gnomAD no frequency). This variant has not been reported in the literature in individuals affected with KMT2C-related conditions. Invitae Evidence Modeling of protein sequence and biophysical properties (such as structural, functional, and spatial information, amino acid conservation, physicochemical variation, residue mobility, and thermodynamic stability) indicates that this missense variant is not expected to disrupt KMT2C protein function with a negative predictive value of 80%. In summary, the available evidence is currently insufficient to determine the role of this variant in disease. Therefore, it has been classified as a Variant of Uncertain Significance.

CeGaT Center for Human Genetics Tuebingen
Classification: Likely benign. Last evaluated: 2024-08-01. Review status: criteria provided, single submitter. Criteria: CeGaT Center For Human Genetics Tuebingen Variant Classification Criteria Version 2. Collection method: clinical testing. Allele origin: germline. Affected: yes. Observed: 2 variant alleles.
Comment: KMT2C: BP4